The following is an entry in ClinVar:

NM_004519.4(KCNQ3):c.893del (p.Glu298fs)

Gene: KCNQ3 (potassium voltage-gated channel subfamily Q member 3; minus strand). Cytogenetic location: 8q24.22.
Variant type: Deletion.
Coding change: c.893del on transcript NM_004519.4 (MANE Select); coding-DNA position 893, one base deleted (A; older notation c.893delA).
Protein change: p.Glu298fs; shifts the reading frame from glutamic acid 298.
Molecular consequence: frameshift variant.
Genome position (GRCh38, 1-based): chr8:132,175,493, T deleted on the plus strand (A on the coding strand, the reverse complement: KCNQ3 is on the minus strand). VCF-style (leftmost placement, unchanged base first): chr8-132175492-CT-C. GRCh37 (hg19) VCF-style: chr8-133187739-CT-C.
Other names: c.533del, p.Glu178fs (NM_001204824.2); short protein forms E298fs, E178fs.
Identifiers: ClinVar variation 2009234 (VCV002009234.4), dbSNP rs2536943945, ClinGen allele CA2580078584.

ClinVar aggregate classification (germline): Pathogenic (1 of 4 stars; one submission).

Conditions:
Benign neonatal seizures. Also called: Convulsions benign familial neonatal dominant form; Autosomal dominant form of benign neonatal seizures; Benign familial neonatal epilepsy; Benign neonatal familial convulsions; Benign familial neonatal seizures. Identifiers: Orphanet 1949, MedGen C0220669, MONDO:0016027.

Submission:

Labcorp Genetics (formerly Invitae), Labcorp
Classification: Pathogenic for Benign neonatal seizures. Last evaluated: 2023-07-31. Review status: criteria provided, single submitter. Criteria: Invitae Variant Classification Sherloc (09022015). Collection method: clinical testing. Allele origin: germline.
Comment: For these reasons, this variant has been classified as Pathogenic. ClinVar contains an entry for this variant (Variation ID: 2009234). This variant has not been reported in the literature in individuals affected with KCNQ3-related conditions. This variant is not present in population databases (gnomAD no frequency). This sequence change creates a premature translational stop signal (p.Glu298Glyfs*14) in the KCNQ3 gene. It is expected to result in an absent or disrupted protein product. Loss-of-function variants in KCNQ3 are known to be pathogenic (PMID: 29383681, 29852413).

Literature cited by the submitters: PubMed 29383681; PubMed 29852413.